The following is an entry in ClinVar:

NM_001648.2(KLK3):c.394C>A (p.Leu132Ile)

Gene: KLK3 (kallikrein related peptidase 3; plus strand). Cytogenetic location: 19q13.33.
Variant type: single nucleotide variant.
Coding change: c.394C>A on transcript NM_001648.2 (MANE Select); coding-DNA position 394, C replaced by A.
Protein change: p.Leu132Ile; replaces leucine 132 with isoleucine.
Molecular consequence: missense variant.
Genome position (GRCh38, 1-based): chr19:50,858,216, C>A. VCF-style: chr19-50858216-C-A. GRCh37 (hg19) VCF-style: chr19-51361472-C-A.
Other names: c.394C>A, p.Leu132Ile (NM_001030047.1); c.265C>A, p.Leu89Ile (NM_001030048.1); short protein forms L132I, L89I.
Identifiers: ClinVar variation 3056698 (VCV003056698.2), dbSNP rs2003783, ClinGen allele CA9604420.

ClinVar aggregate classification (germline): Benign (0 of 4 stars; one submission).

Conditions:
KLK3-related disorder. Also called: KLK3-related condition.

Allele frequency attached by ClinVar (database versions not stated): 1000 Genomes Project 0.08906; 1000 Genomes Project 30x 0.09291; gnomAD 0.09779; ESP Exome Variant Server 0.10587; TOPMed 0.10641.
gnomAD v4.1: 139,139 of 1,614,118 alleles (8.6%); highest among the groups gnomAD compares: African/African-American, 14%; 6,445 homozygotes.

Submission:

PreventionGenetics, part of Exact Sciences
Classification: Benign for KLK3-related condition. Last evaluated: 2019-12-02. Review status: no assertion criteria provided. Collection method: clinical testing. Allele origin: germline.
Comment: This variant is classified as benign based on ACMG/AMP sequence variant interpretation guidelines (Richards et al. 2015 PMID: 25741868, with internal and published modifications).